The following is an entry in ClinVar:

ClinVar aggregate classification (germline): Uncertain significance (1 of 4 stars; one submission).

Conditions:
Hereditary cancer-predisposing syndrome. Also called: Neoplastic Syndromes, Hereditary; Tumor predisposition; Hereditary Cancer Syndrome; Hereditary neoplastic syndrome. Identifiers: Orphanet 140162, MedGen C0027672, MeSH D009386, MONDO:0015356.

Submission:

Ambry Genetics
Classification: Uncertain significance for Hereditary cancer-predisposing syndrome. Last evaluated: 2026-06-11. Review status: criteria provided, single submitter. Criteria: Ambry Variant Classification Scheme 2023. Collection method: clinical testing. Allele origin: germline.
Comment: The p.L173R variant (also known as c.518T>G), located in coding exon 7 of the MUTYH gene, results from a T to G substitution at nucleotide position 518. The leucine at codon 173 is replaced by arginine, an amino acid with dissimilar properties. In a massively parallel cell-based functional assay testing 7,8-dihydro-8-oxoguanine:adenine (8OG:A) repair activity, a byproduct of oxidative damage, this variant was reported to be functional (Hemker SL et al. Am J Hum Genet, 2025 Sep;112:2010-2026). This amino acid position is not well conserved in available vertebrate species. In addition, this alteration is predicted to be deleterious by in silico analysis. Based on the available evidence, the clinical significance of this variant remains unclear.

Literature cited by the submitters: PubMed 40738107.

NM_001048174.2(MUTYH):c.434T>G (p.Leu145Arg)

Gene: MUTYH (mutY DNA glycosylase; minus strand). Cytogenetic location: 1p34.1.
Variant type: single nucleotide variant.
Coding change: c.434T>G on transcript NM_001048174.2 (MANE Select); coding-DNA position 434, T replaced by G.
Protein change: p.Leu145Arg; replaces leucine 145 with arginine.
Molecular consequence: missense variant. On other transcripts: non-coding transcript variant (7).
Genome position (GRCh38, 1-based): chr1:45,332,821, A>C on the plus strand (T>G on the coding strand, the complement: MUTYH is on the minus strand). VCF-style: chr1-45332821-A-C. GRCh37 (hg19) VCF-style: chr1-45798493-A-C.
Other names: c.434T>G, p.Leu145Arg (NM_001048171.2, NM_001048173.2, NM_001293195.2 and 6 more transcripts); c.437T>G, p.Leu146Arg (NM_001048172.2, NM_001407078.1, NM_001407086.1 and 1 more transcripts); c.518T>G, p.Leu173Arg (NM_001128425.2); c.479T>G, p.Leu160Arg (NM_001293190.2); c.467T>G, p.Leu156Arg (NM_001293191.2, NM_001407069.1, NM_001407077.1); c.158T>G, p.Leu53Arg (NM_001293192.2, NM_001407091.1, NM_001293196.2); c.395T>G, p.Leu132Arg (NM_001407079.1); c.392T>G, p.Leu131Arg (NM_001407080.1); and 5 more; short protein forms L117R, L131R, L132R, L145R, L146R, L152R, L156R, L159R.
Identifiers: ClinVar variation 4860489 (VCV004860489.1).
Genomic context (GRCh38, chr1:45,332,821, plus strand): 5'-ACCTTCCGAGCTCCCTCCTGCAGCCGCCGGCCACGAGAATAGTAGCCCAGGCCAGCCCAG[A>C]GTTGATTCACCTCCTGTGGGTAGGATCAGAGGTCAAAGAGATCACCCGTCAGTCCCTCTA-3'
Protein context (NP_001041639.1, residues 135-155): ASASLEEVNQ[Leu145Arg]WAGLGYYSRG